The following is an entry in ClinVar:

NM_007294.4(BRCA1):c.5283C>A (p.Phe1761Leu)

Gene: BRCA1 (BRCA1 DNA repair associated; minus strand). Cytogenetic location: 17q21.31.
Variant type: single nucleotide variant.
Coding change: c.5283C>A on transcript NM_007294.4 (MANE Select); coding-DNA position 5283, C replaced by A.
Protein change: p.Phe1761Leu; replaces phenylalanine 1761 with leucine.
Molecular consequence: missense variant. On other transcripts: non-coding transcript variant (1).
Genome position (GRCh38, 1-based): chr17:43,051,112, G>T on the plus strand (C>A on the coding strand, the complement: BRCA1 is on the minus strand). VCF-style: chr17-43051112-G-T. GRCh37 (hg19) VCF-style: chr17-41203129-G-T.
Other names: c.5070C>A, p.Phe1690Leu (NM_001407571.1, NM_001407900.1, NM_001407902.1 and 12 more transcripts); c.5349C>A, p.Phe1783Leu (NM_001407581.1, NM_001407582.1); c.5346C>A, p.Phe1782Leu (NM_001407583.1, NM_001407585.1, NM_001407587.1 and 1 more transcripts); c.5343C>A, p.Phe1781Leu (NM_001407590.1, NM_001407591.1); c.5283C>A, p.Phe1761Leu (NM_001407593.1, NM_001407594.1, NM_001407596.1 and 6 more transcripts); c.5280C>A, p.Phe1760Leu (NM_001407610.1, NM_001407611.1, NM_001407612.1 and 17 more transcripts); c.5277C>A, p.Phe1759Leu (NM_001407628.1, NM_001407629.1, NM_001407630.1 and 14 more transcripts); c.5226C>A, p.Phe1742Leu (NM_001407648.1); and 72 more; short protein forms F1761L, F1714L, F657L, F1782L, F1592L, F1648L, F1689L, F1691L.
Identifiers: ClinVar variation 867343 (VCV000867343.3), dbSNP rs2051212831, ClinGen allele CA10590979.

Conditions:
Breast-ovarian cancer, familial, susceptibility to, 1 (BROVCA1). Also called: BRCA1 Hereditary Breast and Ovarian Cancer; OVARIAN CANCER, SUSCEPTIBILITY TO. Identifiers: Orphanet 145, MedGen C2676676, MONDO:0011450, OMIM 604370. Disease mechanism: loss of function.

Submission:

Brotman Baty Institute, University of Washington
No classification provided (evidence only). Condition: Breast-ovarian cancer, familial 1. Review status: no classification provided. Collection method: in vitro. Allele origin: not applicable. Functional consequence: functionally_normal.
ClinVar note: "not provided" was previously submitted as the classification for the variant. However, the classification appeared to be based only on an observation of functional data so it was converted to no classification on 2025-07-30.